The following is an entry in ClinVar:

NM_025074.7(FRAS1):c.727A>G (p.Ile243Val)

Gene: FRAS1 (Fraser extracellular matrix complex subunit 1; plus strand). Cytogenetic location: 4q21.21.
Variant type: single nucleotide variant.
Coding change: c.727A>G on transcript NM_025074.7 (MANE Select); coding-DNA position 727, A replaced by G.
Protein change: p.Ile243Val; replaces isoleucine 243 with valine.
Molecular consequence: missense variant.
Genome position (GRCh38, 1-based): chr4:78,266,873, A>G. VCF-style: chr4-78266873-A-G. GRCh37 (hg19) VCF-style: chr4-79188027-A-G.
Other names: p.Ile243Val; c.727A>G, p.Ile243Val (NM_001166133.2); short protein forms I243V.
Identifiers: ClinVar variation 349669 (VCV000349669.17), dbSNP rs6848030, ClinGen allele CA2976060.

ClinVar aggregate classification (germline): Benign. Review status: criteria provided, multiple submitters, no conflicts (2 of 4 stars). 4 submissions from 4 submitters: Benign (4). Last evaluated 2026-02-02.

Conditions:
Fraser syndrome 1 (FRASRS1). Also called: CRYPTOPHTHALMOS WITH OTHER MALFORMATIONS. Identifiers: Orphanet 2052, MedGen C4551480, MONDO:0054737, OMIM 219000.

Allele frequency attached by ClinVar (database versions not stated): gnomAD exomes 0.00151 and 0.00378; ExAC 0.00772; gnomAD 0.01422 and 0.01516; ESP Exome Variant Server 0.01506; TOPMed 0.01583; 1000 Genomes Project 0.01657; 1000 Genomes Project 30x 0.01874.
gnomAD v4.1: 4,441 of 1,608,268 alleles (0.28%); highest among the groups gnomAD compares: African/African-American, 4.8%; 106 homozygotes.

Submissions (5):

Labcorp Genetics (formerly Invitae), Labcorp
Classification: Benign. Last evaluated: 2026-02-02. Review status: criteria provided, single submitter. Criteria: Invitae Variant Classification Sherloc (09022015). Collection method: clinical testing. Allele origin: germline.

Mayo Clinic Laboratories, Mayo Clinic
Classification: Benign. Last evaluated: 2023-04-10. Review status: criteria provided, single submitter. Criteria: ACMG Guidelines, 2015. Collection method: clinical testing. Allele origin: germline. Observed: 1 variant allele.

Illumina Laboratory Services, Illumina
Classification: Benign for Fraser syndrome 1. Last evaluated: 2018-01-13. Review status: criteria provided, single submitter. Criteria: ICSL Variant Classification Criteria 13 December 2019. Collection method: clinical testing. Allele origin: germline.
Comment: This variant was observed in the ICSL laboratory as part of a predisposition screen in an ostensibly healthy population. It had not been previously curated by ICSL or reported in the Human Gene Mutation Database (HGMD: prior to June 1st, 2018), and was therefore a candidate for classification through an automated scoring system. Utilizing variant allele frequency, disease prevalence and penetrance estimates, and inheritance mode, an automated score was calculated to assess if this variant is too frequent to cause the disease. Based on the score and internal cut-off values, a variant classified as benign is not then subjected to further curation. The score for this variant resulted in a classification of benign for this disease.

Breakthrough Genomics
Classification: Benign. Review status: criteria provided, single submitter. Criteria: ACMG Guidelines, 2015. Collection method: not provided. Allele origin: germline. Inheritance: Autosomal recessive inheritance. Affected: yes.

Dr. Peter K. Rogan Lab, Western University
No classification provided (evidence only). Condition: Uterine corpus endometrial carcinoma. Review status: no classification provided. Collection method: in vitro. Allele origin: not applicable. Functional consequence: retained intron. Not counted in ClinVar's aggregate classification.